The following is an entry in ClinVar:

ClinVar aggregate classification (germline): Uncertain significance (1 of 4 stars; one submission).

Conditions:
Neuromuscular disease and ocular or auditory anomalies with or without seizures. Also called: NEUROMUSCULAR OCULOAUDITORY SYNDROME. Identifiers: MedGen C5231483, MONDO:0032890, OMIM 618733.

gnomAD v4.1: 16 of 1,612,988 alleles (0.00099%); highest among the groups gnomAD compares: South Asian, 0.0011%; no homozygotes.

Submission:

Dasa
Classification: Uncertain significance for neuromuscular disease and ocular or auditory anomalies with or without seizures. Last evaluated: 2026-02-18. Review status: criteria provided, single submitter. Criteria: DASA Assertion Criteria. Collection method: clinical testing. Allele origin: germline.
Comment: NM_003587.5(DHX16):c.395G>A (p.Arg132His) is a missense variant that results in the substitution of arginine with histidine. This variant is rare in population databases. Computational prediction algorithms are consistent with a benign effect. The currently available literature and clinical evidence are not sufficient to establish a definitive association between this variant and the reported condition. Therefore, this variant is classified as a variant of uncertain significance.

NM_003587.5(DHX16):c.395G>A (p.Arg132His)

Gene: DHX16 (DEAH-box helicase 16; minus strand). Cytogenetic location: 6p21.33.
Variant type: single nucleotide variant.
Coding change: c.395G>A on transcript NM_003587.5 (MANE Select); coding-DNA position 395, G replaced by A.
Protein change: p.Arg132His; replaces arginine 132 with histidine.
Molecular consequence: missense variant. On other transcripts: 5 prime UTR variant (1).
Genome position (GRCh38, 1-based): chr6:30,671,087, C>T on the plus strand (G>A on the coding strand, the complement: DHX16 is on the minus strand). VCF-style: chr6-30671087-C-T. GRCh37 (hg19) VCF-style: chr6-30638864-C-T.
Other names: c.215G>A, p.Arg72His (NM_001164239.2); c.-1725G>A (NM_001363515.2); short protein forms R132H, R72H.
Identifiers: ClinVar variation 4881217 (VCV004881217.2).
Genomic context (GRCh38, chr6:30,671,087, plus strand): 5'-CTGACTTACCCTGTTTTCTTCTTCCCTTTCTCAGAAGCCTCTTCCTCCTCTTCTTCCTCA[C>T]GCTTCTTCCTGAGGTGTTTCCGCTTTTTACGTTTCTTCTGGAGGCTGCTTCCAGCCCTAC-3'
Protein context (NP_003578.2, residues 122-142): RKKRKHLRKK[Arg132His]EEEEEEEASE